The following is an entry in ClinVar:

NM_000071.3(CBS):c.536_553del (p.Asp179_Leu184del)

Gene: CBS (cystathionine beta-synthase; minus strand). Cytogenetic location: 21q22.3.
Variant type: Deletion.
Coding change: c.536_553del on transcript NM_000071.3 (MANE Select); coding-DNA positions 536 to 553, 18 bases deleted (ACGTGCTGCGGGCACTGG).
Protein change: p.Asp179_Leu184del.
Molecular consequence: inframe deletion.
Genome position (GRCh38, 1-based): chr21:43,065,500-43,065,517, CCAGTGCCCGCAGCACGT deleted on the plus strand (ACGTGCTGCGGGCACTGG on the coding strand, the reverse complement: CBS is on the minus strand); deleting any 18 consecutive bases within chr21:43,065,500-43,065,520 gives the same sequence; the c. name uses the placement nearest the transcript's 3' end. VCF-style (leftmost placement, unchanged base first): chr21-43065499-CCCAGTGCCCGCAGCACGT-C. GRCh37 (hg19) VCF-style: chr21-44485609-CCCAGTGCCCGCAGCACGT-C.
Other names: c.536_553delACGTGCTGCGGGCACTGG (NM_000071.2); c.536_553del18 (NM_000071.2); c.536_553del, p.Asp179_Leu184del (NM_001178008.3, NM_001178009.3, NM_001320298.2); c.221_238del, p.Asp74_Leu79del (NM_001321072.1).
Identifiers: ClinVar variation 198388 (VCV000198388.28), dbSNP rs794727835, ClinGen allele CA247019.

ClinVar aggregate classification (germline): Conflicting classifications of pathogenicity. Review status: criteria provided, conflicting classifications (1 of 4 stars). 10 submissions from 10 submitters: Pathogenic (1); Likely pathogenic (7); Uncertain significance (1). 1 of the submissions does not count toward it. Last evaluated 2025-12-03.

Conditions:
CBS-related disorder. Also called: CBS-related condition.
Familial thoracic aortic aneurysm and aortic dissection (TAAD). Also called: Thoracic aortic aneurysms and dissections. Identifiers: Orphanet 91387, MedGen C4707243, MONDO:0019625.
Classic homocystinuria. Also called: HOMOCYSTINURIA WITH OR WITHOUT RESPONSE TO PYRIDOXINE; Homocystinuria due to Cystathionine Beta-Synthase Deficiency; Homocystinuria due to CBS deficiency; Cystathionine beta-synthase deficiency; CBS deficiency. Identifiers: Orphanet 394, MedGen C0751202, MONDO:0009352, OMIM 236200.
HYPERHOMOCYSTEINEMIA, THROMBOTIC, CBS-RELATED. Identifiers: MedGen C3150344, OMIM 236200.

Submissions (10):

Labcorp Genetics (formerly Invitae), Labcorp
Classification: Pathogenic for HYPERHOMOCYSTEINEMIA, THROMBOTIC, CBS-RELATED. Last evaluated: 2025-12-03. Review status: criteria provided, single submitter. Criteria: Invitae Variant Classification Sherloc (09022015). Collection method: clinical testing. Allele origin: germline.
Comment: This variant, c.536_553del, results in the deletion of 6 amino acid(s) of the CBS protein (p.Asp179_Leu184del), but otherwise preserves the integrity of the reading frame. This variant is present in population databases (rs794727835, gnomAD 0.003%). This variant has been observed in individual(s) with CBS-deficiency (PMID: 12124992, 24138954; internal data). In at least one individual the data is consistent with being in trans (on the opposite chromosome) from a pathogenic variant. It has also been observed to segregate with disease in related individuals. ClinVar contains an entry for this variant (Variation ID: 198388). Experimental studies and prediction algorithms are not available or were not evaluated, and the functional significance of this variant is currently unknown. For these reasons, this variant has been classified as Pathogenic.

PreventionGenetics, part of Exact Sciences
Classification: Likely pathogenic for CBS-related condition. Last evaluated: 2025-10-16. Review status: criteria provided, single submitter. Criteria: ACMG Guidelines, 2015. Collection method: clinical testing. Allele origin: germline.
Comment: The CBS c.536_553del18 variant is predicted to result in an in-frame deletion (p.Asp179_Leu184del). This variant, also described as 533 del 18, has been reported in a study of individuals with homocystinuria, although no additional functional or genetic evidence was provided that could help establish pathogenicity (Kraus et al. 1999. PubMed ID: 10338090). It has also been reported along with a second pathogenic CBS variant in several individuals, with the variants confirmed to be in the compound heterozygous state in at least one of the individuals (Gaustadnes et al. 2002. PubMed ID: 12124992; Ruhoy et al. 2013. PubMed ID: 24138954). This variant is reported in 0.0027% of alleles in individuals of European (non-Finnish) descent in gnomAD. This variant is interpreted as likely pathogenic.

Natera, Inc.
Classification: Likely pathogenic for Homocystinuria due to cystathionine beta-synthase deficiency. Last evaluated: 2025-06-17. Review status: criteria provided, single submitter. Criteria: Natera Variant Classification Schema (03/2026). Collection method: clinical testing. Allele origin: germline.
Comment: The c.536_553delACGTGCTGCGGGCACTGG variant in CBS is an in-frame deletion. This variant is rare in the general population with a frequency below the threshold expected for the associated phenotype(s). This variant has been observed in one or more individuals affected with the associated recessive disease, as either homozygous or compound heterozygous with a second variant (PMID: 12124992, 24138954, 18950795). This variant results in a change to the protein length while preserving reading frame, which may disrupt normal protein structure or function. Computational prediction algorithms indicate this variant is likely to affect gene or protein function. Given the available evidence, this variant is classified as Likely Pathogenic.

Blueprint Genetics
Classification: Likely pathogenic for CBS-related disorders. Last evaluated: 2024-07-22. Review status: criteria provided, single submitter. Criteria: ACMG Guidelines, 2015. Collection method: clinical testing. Allele origin: germline. Affected: yes. Observed: 3 variant alleles.

Baylor Genetics
Classification: Likely pathogenic for Classic homocystinuria. Last evaluated: 2023-11-17. Review status: criteria provided, single submitter. Criteria: ACMG Guidelines, 2015. Collection method: clinical testing. Allele origin: unknown.

Ambry Genetics
Classification: Likely pathogenic for Familial thoracic aortic aneurysm and aortic dissection. Last evaluated: 2022-11-03. Review status: criteria provided, single submitter. Criteria: Ambry Variant Classification Scheme 2023. Collection method: clinical testing. Allele origin: germline.
Comment: The c.536_553del18 (p.D179_L184del) alteration is located in exon 7 (coding exon 5) of the CBS gene. This alteration consists of an in-frame deletion of 18 nucleotides between nucleotide positions c.536 and c.553, resulting in the deletion of <NA> residues. This variant was not reported in population-based cohorts in the Genome Aggregation Database (gnomAD). This variant has been reported in several individuals with CBS-related homocystinuria and a second variant (Ruhoy, 2014; Gaustadnes, 2002) including one individual with a dislocated lens, mild developmental delay and intellectual disability and a Marfanoid habitus (Gaustadnes, 2002). This alteration is predicted to be deleterious by in silico analysis (Choi, 2012). Based on the available evidence, this alteration is classified as likely pathogenic.

Revvity Omics, Revvity
Classification: Likely pathogenic for Classic homocystinuria. Last evaluated: 2021-04-02. Review status: criteria provided, single submitter. Criteria: ACMG Guidelines, 2015. Collection method: clinical testing. Allele origin: germline.

GeneDx
Classification: Likely pathogenic. Last evaluated: 2016-09-22. Review status: criteria provided, single submitter. Criteria: GeneDx Variant Classification (06012015). Collection method: clinical testing. Allele origin: germline. Affected: yes.
Comment: The c.536_553del18 variant in the CBS gene has been reported in patients with homocystinuria due to CBS deficiency (Kraus et al. 1999; Ruhoy et al. 2014). This variant results in an in-frame deletion of 6 amino acids starting at codon Aspartic acid 179, denoted p.D179_L184. This deletion occurs in a conserved region of the CBS protein and other in-frame deletions in CBS have been reported in the Human Gene Mutation Database (HGMD) in association with homocystinuria due to CBS deficiency (Stenson et al., 2014). The c.536_553del18 variant was not observed in approximately 6500 individuals of European and African American ancestry in the NHLBI Exome Sequencing Project, indicating it is not a common benign variant in these populations. In summary, we interpret c.536_553del18 to be likely pathogenic.

Eurofins Ntd Llc (ga)
Classification: Uncertain significance. Last evaluated: 2014-08-28. Review status: criteria provided, single submitter. Criteria: EGL Classification Definitions 2015. Collection method: clinical testing. Allele origin: germline. Observed: 1 variant allele, 1 heterozygote.

Counsyl
Classification: Likely pathogenic for Classic homocystinuria. Last evaluated: 2018-12-19. Review status: no assertion criteria provided. Collection method: clinical testing. Allele origin: unknown. Not counted in ClinVar's aggregate classification.

Literature cited by the submitters: PubMed 12124992 (cited by 4 submitters); PubMed 24138954 (cited by 4 submitters); PubMed 18950795 (cited by Natera, Inc.); PubMed 10338090 (cited by Eurofins Ntd Llc (ga) and Counsyl).